The following is an entry in ClinVar:

NM_017617.5(NOTCH1):c.2467+21G>A

Gene: NOTCH1 (notch receptor 1; minus strand). Cytogenetic location: 9q34.3.
Variant type: single nucleotide variant.
Coding change: c.2467+21G>A on transcript NM_017617.5 (MANE Select); 21 bases into the intron after coding-DNA position 2467, G replaced by A.
Molecular consequence: intron variant.
Genome position (GRCh38, 1-based): chr9:136,513,000, C>T on the plus strand (G>A on the coding strand, the complement: NOTCH1 is on the minus strand). VCF-style: chr9-136513000-C-T. GRCh37 (hg19) VCF-style: chr9-139407452-C-T.
Identifiers: ClinVar variation 677898 (VCV000677898.3), dbSNP rs3812608, ClinGen allele CA5341346.

ClinVar aggregate classification (germline): Benign. Review status: criteria provided, multiple submitters, no conflicts (2 of 4 stars). 3 submissions from 3 submitters: Benign (3). Last evaluated 2024-10-21.

Allele frequency attached by ClinVar (database versions not stated): gnomAD exomes 0.45972; ESP Exome Variant Server 0.58152; gnomAD 0.60192 and 0.60255; TOPMed 0.62127; ExAC 0.62790; 1000 Genomes Project 0.69728; 1000 Genomes Project 30x 0.69941.
gnomAD v4.1: 476,949 of 988,588 alleles (48%); highest among the groups gnomAD compares: East Asian, 82%; 134,099 homozygotes.

Submissions (3):

Women's Health and Genetics/Laboratory Corporation of America, LabCorp
Classification: Benign. Last evaluated: 2024-10-21. Review status: criteria provided, single submitter. Criteria: LabCorp Variant Classification Summary - May 2015. Collection method: clinical testing. Allele origin: germline.

GeneDx
Classification: Benign. Last evaluated: 2018-06-14. Review status: criteria provided, single submitter. Criteria: GeneDx Variant Classification (06012015). Collection method: clinical testing. Allele origin: germline. Affected: yes.
Comment: This variant is considered likely benign or benign based on one or more of the following criteria: it is a conservative change, it occurs at a poorly conserved position in the protein, it is predicted to be benign by multiple in silico algorithms, and/or has population frequency not consistent with disease.

Breakthrough Genomics
Classification: Benign. Review status: criteria provided, single submitter. Criteria: ACMG Guidelines, 2015. Collection method: not provided. Allele origin: germline. Inheritance: Autosomal dominant inheritance. Affected: yes.

Literature cited by the submitters: PubMed 16614245 (cited by Women's Health and Genetics/Laboratory Corporation of America, LabCorp); PubMed 19635999 (cited by Women's Health and Genetics/Laboratory Corporation of America, LabCorp); PubMed 19245433 (cited by Women's Health and Genetics/Laboratory Corporation of America, LabCorp); PubMed 22858860 (cited by Women's Health and Genetics/Laboratory Corporation of America, LabCorp).